The following is an entry in ClinVar:

NM_001006630.2(CHRM2):c.1343A>G (p.Lys448Arg)

Genes: CHRM2 (cholinergic receptor muscarinic 2; plus strand), LOC349160 (uncharacterized LOC349160; minus strand). Cytogenetic location: 7q33.
Variant type: single nucleotide variant.
Coding change: c.1343A>G on transcript NM_001006630.2 (MANE Select); coding-DNA position 1343, A replaced by G.
Protein change: p.Lys448Arg; replaces lysine 448 with arginine.
Molecular consequence: missense variant.
Genome position (GRCh38, 1-based): chr7:137,016,208, A>G. VCF-style: chr7-137016208-A-G. GRCh37 (hg19) VCF-style: chr7-136700955-A-G.
Other names: c.1343A>G, p.Lys448Arg (NM_000739.3, NM_001006626.3, NM_001006627.3 and 6 more transcripts); short protein forms K448R.
Identifiers: ClinVar variation 3723669 (VCV003723669.3).
Genomic context (GRCh38, chr7:137,016,208, plus strand): 5'-TTTGTTACATCAACAGCACTATCAACCCTGCCTGCTATGCACTTTGCAATGCCACCTTCA[A>G]GAAGACCTTTAAACACCTTCTCATGTGTCATTATAAGAACATAGGCGCTACAAGGTAAAA-3'
Protein context (NP_001006631.1, residues 438-458): ACYALCNATF[Lys448Arg]KTFKHLLMCH

ClinVar aggregate classification (germline): Uncertain significance. Review status: criteria provided, multiple submitters, no conflicts (2 of 4 stars). 2 submissions from 2 submitters: Uncertain significance (2). Last evaluated 2025-08-31.

gnomAD v4.1: 69 of 1,612,962 alleles (0.0043%); highest among the groups gnomAD compares: Non-Finnish European, 0.0059%; no homozygotes.

Submissions (2):

Ambry Genetics
Classification: Uncertain significance. Last evaluated: 2025-08-31. Review status: criteria provided, single submitter. Criteria: Ambry Variant Classification Scheme 2023. Collection method: clinical testing. Allele origin: germline.

Labcorp Genetics (formerly Invitae), Labcorp
Classification: Uncertain significance. Last evaluated: 2024-11-04. Review status: criteria provided, single submitter. Criteria: Invitae Variant Classification Sherloc (09022015). Collection method: clinical testing. Allele origin: germline.
Comment: This sequence change replaces lysine, which is basic and polar, with arginine, which is basic and polar, at codon 448 of the CHRM2 protein (p.Lys448Arg). This variant is present in population databases (no rsID available, gnomAD 0.0009%). This variant has not been reported in the literature in individuals affected with CHRM2-related conditions. An algorithm developed to predict the effect of missense changes on protein structure and function (PolyPhen-2) suggests that this variant is likely to be disruptive. In summary, the available evidence is currently insufficient to determine the role of this variant in disease. Therefore, it has been classified as a Variant of Uncertain Significance.